The following is an entry in ClinVar:

NM_005629.4(SLC6A8):c.1768C>T (p.Arg590Cys)

Gene: SLC6A8 (solute carrier family 6 member 8; plus strand). Cytogenetic location: Xq28.
Variant type: single nucleotide variant.
Coding change: c.1768C>T on transcript NM_005629.4 (MANE Select); coding-DNA position 1768, C replaced by T.
Protein change: p.Arg590Cys; replaces arginine 590 with cysteine.
Molecular consequence: missense variant.
Genome position (GRCh38, 1-based): chrX:153,695,074, C>T. VCF-style: chrX-153695074-C-T. GRCh37 (hg19) VCF-style: chrX-152960529-C-T.
Other names: c.1738C>T, p.Arg580Cys (NM_001142805.2); c.1423C>T, p.Arg475Cys (NM_001142806.1); short protein forms R475C, R580C, R590C.
Identifiers: ClinVar variation 1015109 (VCV001015109.9), dbSNP rs2314078, ClinGen allele CA10549661.

ClinVar aggregate classification (germline): Uncertain significance. Review status: criteria provided, single submitter (1 of 4 stars). 2 submissions from 2 submitters: Uncertain significance (1). 1 of the submissions does not count toward it. Last evaluated 2023-01-30.

Conditions:
Creatine deficiency syndrome 1.
Creatine transporter deficiency (CCDS1). Also called: CEREBRAL CREATINE DEFICIENCY SYNDROME 1; Mental retardation , X-linked with seizures, short stature and midface hypoplasia; Mental retardation , X-linked, with creatine transport deficiency; X-linked creatine transporter deficiency; X-linked creatine deficiency syndrome; SLC6A8-Related Creatine Transporter Deficiency. Identifiers: Orphanet 52503, MedGen C1845862, MONDO:0010305, OMIM 300352.

Allele frequency attached by ClinVar (database versions not stated): TOPMed below 0.00001; gnomAD 0.00001; ExAC 0.00003.
gnomAD v4.1: 4 of 1,200,127 alleles (0.00033%); highest among the groups gnomAD compares: East Asian, 0.003%; no homozygotes.

Submissions (2):

Labcorp Genetics (formerly Invitae), Labcorp
Classification: Uncertain significance for Creatine transporter deficiency. Last evaluated: 2023-01-30. Review status: criteria provided, single submitter. Criteria: Invitae Variant Classification Sherloc (09022015). Collection method: clinical testing. Allele origin: germline.
Comment: This sequence change replaces arginine, which is basic and polar, with cysteine, which is neutral and slightly polar, at codon 590 of the SLC6A8 protein (p.Arg590Cys). The frequency data for this variant in the population databases is considered unreliable, as metrics indicate poor data quality at this position in the gnomAD database. This variant has not been reported in the literature in individuals affected with SLC6A8-related conditions. ClinVar contains an entry for this variant (Variation ID: 1015109). Algorithms developed to predict the effect of missense changes on protein structure and function are either unavailable or do not agree on the potential impact of this missense change (SIFT: "Deleterious"; PolyPhen-2: "Benign"; Align-GVGD: "Class C0"). In summary, the available evidence is currently insufficient to determine the role of this variant in disease. Therefore, it has been classified as a Variant of Uncertain Significance.

Natera, Inc.
Classification: Uncertain significance for Creatine deficiency syndrome 1. Last evaluated: 2020-01-19. Review status: no assertion criteria provided. Collection method: clinical testing. Allele origin: germline. Not counted in ClinVar's aggregate classification.